The following is an entry in ClinVar:

NM_030667.3(PTPRO):c.2473G>A (p.Val825Met)

Gene: PTPRO (protein tyrosine phosphatase receptor type O; plus strand). Cytogenetic location: 12p12.3.
Variant type: single nucleotide variant.
Coding change: c.2473G>A on transcript NM_030667.3 (MANE Select); coding-DNA position 2473, G replaced by A.
Protein change: p.Val825Met; replaces valine 825 with methionine.
Molecular consequence: missense variant.
Genome position (GRCh38, 1-based): chr12:15,551,586, G>A. VCF-style: chr12-15551586-G-A. GRCh37 (hg19) VCF-style: chr12-15704520-G-A.
Other names: c.2473G>A, p.Val825Met (NM_002848.4); c.40G>A, p.Val14Met (NM_030668.3, NM_030669.3, NM_030670.3 and 1 more transcripts); short protein forms V825M, V14M.
Identifiers: ClinVar variation 1939061 (VCV001939061.6), dbSNP rs757868073, ClinGen allele CA6466854.

ClinVar aggregate classification (germline): Uncertain significance. Review status: criteria provided, multiple submitters, no conflicts (2 of 4 stars). 2 submissions from 2 submitters: Uncertain significance (2). Last evaluated 2025-06-12.

Conditions:
Nephrotic syndrome, type 6 (NPHS6). Identifiers: Orphanet 656, MedGen C3280100, MONDO:0013619, OMIM 614196.

Allele frequency attached by ClinVar (database versions not stated): gnomAD 0.00002; TOPMed 0.00002; ExAC 0.00006.
gnomAD v4.1: 157 of 1,613,486 alleles (0.0097%); highest among the groups gnomAD compares: Middle Eastern, 0.016%; no homozygotes.

Submissions (2):

Labcorp Genetics (formerly Invitae), Labcorp
Classification: Uncertain significance. Last evaluated: 2025-06-12. Review status: criteria provided, single submitter. Criteria: Invitae Variant Classification Sherloc (09022015). Collection method: clinical testing. Allele origin: germline.
Comment: This sequence change replaces valine, which is neutral and non-polar, with methionine, which is neutral and non-polar, at codon 825 of the PTPRO protein (p.Val825Met). This variant is present in population databases (rs757868073, gnomAD 0.03%). This variant has not been reported in the literature in individuals affected with PTPRO-related conditions. ClinVar contains an entry for this variant (Variation ID: 1939061). An algorithm developed to predict the effect of missense changes on protein structure and function (PolyPhen-2) suggests that this variant is likely to be disruptive. In summary, the available evidence is currently insufficient to determine the role of this variant in disease. Therefore, it has been classified as a Variant of Uncertain Significance.

Fulgent Genetics
Classification: Uncertain significance for Nephrotic syndrome, type 6. Last evaluated: 2024-01-18. Review status: criteria provided, single submitter. Criteria: ACMG Guidelines, 2015. Collection method: clinical testing. Allele origin: germline.